The following is an entry in ClinVar:

ClinVar aggregate classification (germline): Uncertain significance (1 of 4 stars; one submission).

gnomAD v4.1: 1 of 1,612,244 alleles (0.000062%); no homozygotes.

Submission:

Labcorp Genetics (formerly Invitae), Labcorp
Classification: Uncertain significance. Last evaluated: 2019-06-17. Review status: criteria provided, single submitter. Criteria: Invitae Variant Classification Sherloc (09022015). Collection method: clinical testing. Allele origin: germline.
Comment: This sequence change replaces asparagine with aspartic acid at codon 556 of the RINT1 protein (p.Asn556Asp). The asparagine residue is highly conserved and there is a small physicochemical difference between asparagine and aspartic acid. This variant is not present in population databases (ExAC no frequency). This variant has not been reported in the literature in individuals with RINT1-related conditions. Algorithms developed to predict the effect of missense changes on protein structure and function are either unavailable or do not agree on the potential impact of this missense change (SIFT: "Deleterious"; PolyPhen-2: "Benign"; Align-GVGD: "Class C0"). In summary, the available evidence is currently insufficient to determine the role of this variant in disease. Therefore, it has been classified as a Variant of Uncertain Significance.

NM_021930.6(RINT1):c.1666A>G (p.Asn556Asp)

Gene: RINT1 (RAD50 interactor 1; plus strand). Cytogenetic location: 7q22.3.
Variant type: single nucleotide variant.
Coding change: c.1666A>G on transcript NM_021930.6 (MANE Select); coding-DNA position 1666, A replaced by G.
Protein change: p.Asn556Asp; replaces asparagine 556 with aspartic acid.
Molecular consequence: missense variant.
Genome position (GRCh38, 1-based): chr7:105,555,222, A>G. VCF-style: chr7-105555222-A-G. GRCh37 (hg19) VCF-style: chr7-105195669-A-G.
Other names: c.1432A>G, p.Asn478Asp (NM_001346599.2); c.643A>G, p.Asn215Asp (NM_001346600.2, NM_001346603.2); c.742A>G, p.Asn248Asp (NM_001346601.2); short protein forms N215D, N478D, N556D, N248D.
Identifiers: ClinVar variation 944495 (VCV000944495.9), dbSNP rs1791131103, ClinGen allele CA368812042.